The following is an entry in ClinVar:

NM_001114753.3(ENG):c.1181dup (p.Cys394fs)

Genes: ENG (endoglin; minus strand), LOC102723566 (uncharacterized LOC102723566; plus strand). Cytogenetic location: 9q34.11.
Variant type: Duplication.
Coding change: c.1181dup on transcript NM_001114753.3 (MANE Select); coding-DNA position 1181, one base duplicated (G; older notation c.1181dupG).
Protein change: p.Cys394fs; shifts the reading frame from cysteine 394.
Molecular consequence: frameshift variant.
Genome position (GRCh38, 1-based): chr9:127,819,991, C duplicated on the plus strand (G on the coding strand, the reverse complement: ENG is on the minus strand). VCF-style (leftmost placement, unchanged base first): chr9-127819990-A-AC. GRCh37 (hg19) VCF-style: chr9-130582269-A-AC.
Other names: c.1181dup, p.Cys394Trpfs (NM_000118.4); c.635dup, p.Cys212fs (NM_001278138.2); short protein forms C212fs, C394fs.
Identifiers: ClinVar variation 1742327 (VCV001742327.2), dbSNP rs2539064322, ClinGen allele CA2580079606.
Genomic context (GRCh38, chr9:127,819,990, plus strand): 5'-CATGCCACAGCTGGAGTAAGCACTGCGCAAGACAAACTTGTCACCCCTGTCCTCTGCCTC[A>AC]CAGCTGGGGTCCCAGAAGGTCAGGCCCGTGATGGTGCACTTCAAATGCTGGGTCGGAAGA-3'

ClinVar aggregate classification (germline): Pathogenic (1 of 4 stars; one submission).

Conditions:
Cardiovascular phenotype. Identifiers: MedGen CN230736.

Submission:

Ambry Genetics
Classification: Pathogenic for Cardiovascular phenotype. Last evaluated: 2018-09-20. Review status: criteria provided, single submitter. Criteria: Ambry Variant Classification Scheme 2023. Collection method: clinical testing. Allele origin: germline.
Comment: The c.1181dupG pathogenic mutation, located in coding exon 9 of the ENG gene, results from a duplication of G at nucleotide position 1181, causing a translational frameshift with a predicted alternate stop codon (p.C394Wfs*2). This alteration is expected to result in loss of function by premature protein truncation or nonsense-mediated mRNA decay. As such, this alteration is interpreted as a disease-causing mutation.